The following is an entry in ClinVar:

ClinVar aggregate classification (germline): Pathogenic (1 of 4 stars; one submission).

Submission:

GeneDx
Classification: Pathogenic. Last evaluated: 2017-10-24. Review status: criteria provided, single submitter. Criteria: GeneDx Variant Classification (06012015). Collection method: clinical testing. Allele origin: germline. Affected: yes.
Comment: The c.11397_11398delAG variant in the ALMS1 gene has not been reported previously as a pathogenic variant nor as a benign variant, to our knowledge. The c.11397_11398delAG variant causes a frameshift starting with codon Arginine 3799, changes this amino acid to a Serine residue, and creates a premature Stop codon at position 9 of the new reading frame, denoted p.Arg3799SerfsX9. This variant is predicted to cause loss of normal protein function either through protein truncation or nonsense-mediated mRNA decay. The c.11397_11398delAG variant is not observed in large population cohorts (Lek et al., 2016; 1000 Genomes Consortium et al., 2015; Exome Variant Server). We interpret c.11397_11398delAG as a pathogenic variant.

NM_001378454.1(ALMS1):c.11394_11395del (p.Arg3798fs)

Gene: ALMS1 (ALMS1 centrosome and basal body associated protein; plus strand). Cytogenetic location: 2p13.1.
Variant type: Microsatellite.
Coding change: c.11394_11395del on transcript NM_001378454.1 (MANE Select); coding-DNA positions 11394 to 11395, 2 bases deleted (AG; older notation c.11394_11395delAG).
Protein change: p.Arg3798fs; shifts the reading frame from arginine 3798.
Molecular consequence: frameshift variant.
Genome position (GRCh38, 1-based): chr2:73,573,271-73,573,272, AG deleted; deleting any 2 consecutive bases within chr2:73,573,269-73,573,272 gives the same sequence; the c. name uses the placement nearest the transcript's 3' end. VCF-style (leftmost placement, unchanged base first): chr2-73573268-AAG-A. GRCh37 (hg19) VCF-style: chr2-73800395-AAG-A.
Other names: c.11397_11398del, p.Arg3799fs (NM_015120.4); c.11397_11398delAG (NM_015120.4); short protein forms R3799fs, R3798fs.
Identifiers: ClinVar variation 451082 (VCV000451082.2), dbSNP rs1553418598, ClinGen allele CA658657044.
Genomic context (GRCh38, chr2:73,573,268, plus strand): 5'-AAGGAGTAGCTCTGTTTCCACTATTGACACTGCCCGGCTGATTCAAGCTTTTGGCCATGA[AAG>A]AGTATGCTTGTCACCCAGACGAATTAAATTATATAGCAGCATCACCAACCAACAGAGGAG-3'